The following is an entry in ClinVar:

ClinVar aggregate classification (germline): Likely benign (1 of 4 stars; one submission).

Allele frequency attached by ClinVar (database versions not stated): ExAC 0.00001; gnomAD exomes 0.00001; TOPMed 0.00001; ESP Exome Variant Server 0.00008.

Submission:

GeneDx
Classification: Likely benign. Last evaluated: 2023-03-07. Review status: criteria provided, single submitter. Criteria: GeneDx Variant Classification Process June 2021. Collection method: clinical testing. Allele origin: germline. Affected: yes.
Comment: See Variant Classification Assertion Criteria.

NM_003070.5(SMARCA2):c.1358A>G (p.Asn453Ser)

Gene: SMARCA2 (SWI/SNF related BAF chromatin remodeling complex subunit ATPase 2; plus strand). Cytogenetic location: 9p24.3.
Variant type: single nucleotide variant.
Coding change: c.1358A>G on transcript NM_003070.5 (MANE Select); coding-DNA position 1358, A replaced by G.
Protein change: p.Asn453Ser; replaces asparagine 453 with serine.
Molecular consequence: missense variant.
Genome position (GRCh38, 1-based): chr9:2,058,301, A>G. VCF-style: chr9-2058301-A-G. GRCh37 (hg19) VCF-style: chr9-2058301-A-G.
Other names: c.1358A>G, p.Asn453Ser (NM_001289396.2, NM_001289397.2, NM_139045.4); short protein forms N453S.
Identifiers: ClinVar variation 2574329 (VCV002574329.1), dbSNP rs374927642, ClinGen allele CA4963148.